The following is an entry in ClinVar:

NM_000059.4(BRCA2):c.120_123del (p.Pro41fs)

Gene: BRCA2 (BRCA2 DNA repair associated; plus strand). Cytogenetic location: 13q13.1.
Variant type: Deletion.
Coding change: c.120_123del on transcript NM_000059.4 (MANE Select); coding-DNA positions 120 to 123, 4 bases deleted (ACCC; older notation c.120_123delACCC).
Protein change: p.Pro41fs; shifts the reading frame from proline 41.
Molecular consequence: frameshift variant.
Genome position (GRCh38, 1-based): chr13:32,319,129-32,319,132, ACCC deleted; deleting any 4 consecutive bases within chr13:32,319,127-32,319,132 gives the same sequence; the c. name uses the placement nearest the transcript's 3' end. VCF-style (leftmost placement, unchanged base first): chr13-32319126-TCCAC-T. GRCh37 (hg19) VCF-style: chr13-32893263-TCCAC-T.
Other names: c.120_123delACCC (NM_000059.3).
Identifiers: ClinVar variation 254472 (VCV000254472.5), dbSNP rs886038047, ClinGen allele CA10586479.

ClinVar aggregate classification (germline): Pathogenic. Review status: reviewed by expert panel (3 of 4 stars). 2 submissions from 2 submitters: Pathogenic (1). 1 of the submissions does not count toward it. Last evaluated 2016-09-08.

Conditions:
Breast-ovarian cancer, familial, susceptibility to, 2 (BROVCA2). Also called: BRCA2 Hereditary Breast and Ovarian Cancer. Identifiers: Orphanet 145, MedGen C2675520, MONDO:0012933, OMIM 612555. Disease mechanism: loss of function.

Submissions (2):

Evidence-based Network for the Interpretation of Germline Mutant Alleles (ENIGMA)
Classification: Pathogenic for Breast-ovarian cancer, familial, susceptibility to, 2. Last evaluated: 2016-09-08. Review status: reviewed by expert panel. Criteria: ENIGMA BRCA1/2 Classification Criteria (2015). Collection method: curation. Allele origin: germline.
Comment: Variant allele predicted to encode a truncated non-functional protein.

Consortium of Investigators of Modifiers of BRCA1/2 (CIMBA), c/o University of Cambridge
Classification: Pathogenic for Breast-ovarian cancer, familial, susceptibility to, 2. Last evaluated: 2015-10-02. Review status: criteria provided, single submitter. Criteria: CIMBA Mutation Classification guidelines May 2016. Collection method: clinical testing. Allele origin: germline. Not counted in ClinVar's aggregate classification.